The following is an entry in ClinVar:

ClinVar aggregate classification (germline): Uncertain significance (1 of 4 stars; one submission).

Conditions:
Early-infantile DEE. Also called: Early infantile epileptic encephalopathy with suppression bursts; Early infantile epileptic encephalopathy; Ohtahara syndrome. Identifiers: Orphanet 1934, MedGen C0393706, MONDO:0800491.

Allele frequency attached by ClinVar (database versions not stated): gnomAD 0.00001; gnomAD exomes 0.00001 and 0.00002; TOPMed 0.00001.

Submission:

Labcorp Genetics (formerly Invitae), Labcorp
Classification: Uncertain significance for Early-infantile DEE. Last evaluated: 2025-05-03. Review status: criteria provided, single submitter. Criteria: Invitae Variant Classification Sherloc (09022015). Collection method: clinical testing. Allele origin: germline.
Comment: This sequence change replaces asparagine, which is neutral and polar, with aspartic acid, which is acidic and polar, at codon 24 of the SCN8A protein (p.Asn24Asp). This variant is present in population databases (no rsID available, gnomAD 0.01%). This variant has not been reported in the literature in individuals affected with SCN8A-related conditions. ClinVar contains an entry for this variant (Variation ID: 643084). Invitae Evidence Modeling of protein sequence and biophysical properties (such as structural, functional, and spatial information, amino acid conservation, physicochemical variation, residue mobility, and thermodynamic stability) indicates that this missense variant is not expected to disrupt SCN8A protein function with a negative predictive value of 95%. In summary, the available evidence is currently insufficient to determine the role of this variant in disease. Therefore, it has been classified as a Variant of Uncertain Significance.

NM_001330260.2(SCN8A):c.70A>G (p.Asn24Asp)

Genes: SCN8A (sodium voltage-gated channel alpha subunit 8; plus strand), LOC114803470 (SCN8A eExon liver enhancer; plus strand). Cytogenetic location: 12q13.13.
Variant type: single nucleotide variant.
Coding change: c.70A>G on transcript NM_001330260.2 (MANE Select); coding-DNA position 70, A replaced by G.
Protein change: p.Asn24Asp; replaces asparagine 24 with aspartic acid.
Molecular consequence: missense variant.
Genome position (GRCh38, 1-based): chr12:51,662,887, A>G. VCF-style: chr12-51662887-A-G. GRCh37 (hg19) VCF-style: chr12-52056671-A-G.
Other names: c.70A>G, p.Asn24Asp (NM_001177984.3, NM_001369788.1, NM_014191.4); short protein forms N24D.
Identifiers: ClinVar variation 643084 (VCV000643084.11), dbSNP rs1170755479, ClinGen allele CA385227577.